The following is an entry in ClinVar:

ClinVar aggregate classification (germline): Conflicting classifications of pathogenicity. Review status: criteria provided, conflicting classifications (1 of 4 stars). 2 submissions from 2 submitters: Uncertain significance (1); Likely benign (1). Last evaluated 2023-10-22.

Conditions:
Myofibrillar myopathy 6. Identifiers: Orphanet 199340, MedGen C2751831, MONDO:0013061, OMIM 612954.
Dilated cardiomyopathy 1HH (CMD1HH). Identifiers: Orphanet 154, MedGen C3151293, MONDO:0013479, OMIM 613881.

Submissions (2):

Labcorp Genetics (formerly Invitae), Labcorp
Classification: Uncertain significance for Dilated cardiomyopathy 1HH; Myofibrillar myopathy 6. Last evaluated: 2023-10-22. Review status: criteria provided, single submitter. Criteria: Invitae Variant Classification Sherloc (09022015). Collection method: clinical testing. Allele origin: germline.
Comment: This variant, c.465_467dup, results in the insertion of 1 amino acid(s) of the BAG3 protein (p.Ala160dup), but otherwise preserves the integrity of the reading frame. This variant is not present in population databases (gnomAD no frequency). This variant has not been reported in the literature in individuals affected with BAG3-related conditions. Experimental studies and prediction algorithms are not available or were not evaluated, and the functional significance of this variant is currently unknown. In summary, the available evidence is currently insufficient to determine the role of this variant in disease. Therefore, it has been classified as a Variant of Uncertain Significance.

Athena Diagnostics
Classification: Likely benign. Last evaluated: 2023-07-13. Review status: criteria provided, single submitter. Criteria: Athena Diagnostics Criteria. Collection method: clinical testing. Allele origin: unknown.

Literature cited by the submitters: PubMed 30471092 (cited by Athena Diagnostics); PubMed 30140897 (cited by Athena Diagnostics).

NM_004281.4(BAG3):c.465_467dup (p.Ala160_Gln161insAla)

Gene: BAG3 (BAG cochaperone 3; plus strand). Cytogenetic location: 10q26.11.
Variant type: Duplication.
Coding change: c.465_467dup on transcript NM_004281.4 (MANE Select); coding-DNA positions 465 to 467, 3 bases duplicated (AGC; older notation c.465_467dupAGC).
Protein change: p.Ala160_Gln161insAla.
Molecular consequence: inframe insertion.
Genome position (GRCh38, 1-based): chr10:119,670,135-119,670,137, AGC duplicated; duplicating any 3 consecutive bases within chr10:119,670,133-119,670,137 gives the same sequence; the c. name uses the placement nearest the transcript's 3' end. VCF-style (leftmost placement, unchanged base first): chr10-119670132-G-GGCA. GRCh37 (hg19) VCF-style: chr10-121429644-G-GGCA.
Identifiers: ClinVar variation 2684106 (VCV002684106.4), dbSNP rs2494009825, ClinGen allele CA2697558794.